The following is an entry in ClinVar:

ClinVar aggregate classification (germline): Pathogenic/Likely pathogenic. Review status: criteria provided, multiple submitters, no conflicts (2 of 4 stars). 3 submissions from 3 submitters: Pathogenic (2); Likely pathogenic (1). Last evaluated 2025-11-25.

Conditions:
Leukoencephalopathy with vanishing white matter 2 (VWM2). Also called: Leukoencephalopathy with vanishing white matter 2, with or without ovarian failure; EIF2B2-Related Childhood Ataxia with Central Nervous System Hypomyelination/Vanishing White Matter. Identifiers: MedGen C5830404, MONDO:0957870, OMIM 620312.
Vanishing white matter disease. Also called: CACH syndrome; Childhood ataxia with diffuse central nervous system hypomyelination; Leukoencephalopathy with vanishing white matter; CACH/VWM syndrome; Cree leukoencehalopathy. Identifiers: Orphanet 135, Orphanet 99853, MedGen C1858991, MONDO:0800448.

Submissions (3):

Labcorp Genetics (formerly Invitae), Labcorp
Classification: Pathogenic. Last evaluated: 2025-11-25. Review status: criteria provided, single submitter. Criteria: Invitae Variant Classification Sherloc (09022015). Collection method: clinical testing. Allele origin: germline.
Comment: This sequence change creates a premature translational stop signal (p.Ile190Metfs*2) in the EIF2B2 gene. It is expected to result in an absent or disrupted protein product. Loss-of-function variants in EIF2B2 are known to be pathogenic (PMID: 11704758, 12707859). This variant is present in population databases (rs755436800, gnomAD 0.004%). This variant has not been reported in the literature in individuals affected with EIF2B2-related conditions. ClinVar contains an entry for this variant (Variation ID: 632219). For these reasons, this variant has been classified as Pathogenic.

Women's Health and Genetics/Laboratory Corporation of America, LabCorp
Classification: Pathogenic for Vanishing white matter disease. Last evaluated: 2024-08-08. Review status: criteria provided, single submitter. Criteria: LabCorp Variant Classification Summary - May 2015. Collection method: clinical testing. Allele origin: germline.
Comment: Variant summary: EIF2B2 c.570delT (p.Ile190MetfsX2) results in a premature termination codon, predicted to cause a truncation of the encoded protein or absence of the protein due to nonsense mediated decay, which are commonly known mechanisms for disease. The variant allele was found at a frequency of 2e-05 in 251036 control chromosomes. To our knowledge, no occurrence of c.570delT in individuals affected with Leukoencephalopathy With Vanishing White Matter and no experimental evidence demonstrating its impact on protein function have been reported. ClinVar contains an entry for this variant (Variation ID: 632219). Based on the evidence outlined above, the variant was classified as pathogenic.

Fulgent Genetics
Classification: Likely pathogenic for Leukoencephalopathy with vanishing white matter 2. Last evaluated: 2024-02-29. Review status: criteria provided, single submitter. Criteria: ACMG Guidelines, 2015. Collection method: clinical testing. Allele origin: germline.

Literature cited by the submitters: PubMed 11704758 (cited by Labcorp Genetics (formerly Invitae), Labcorp); PubMed 12707859 (cited by Labcorp Genetics (formerly Invitae), Labcorp).

NM_014239.4(EIF2B2):c.570del (p.Ile190fs)

Gene: EIF2B2 (eukaryotic translation initiation factor 2B subunit beta; plus strand). Cytogenetic location: 14q24.3.
Variant type: Deletion.
Coding change: c.570del on transcript NM_014239.4 (MANE Select); coding-DNA position 570, one base deleted (T; older notation c.570delT).
Protein change: p.Ile190fs; shifts the reading frame from isoleucine 190.
Molecular consequence: frameshift variant.
Genome position (GRCh38, 1-based): chr14:75,004,873, T deleted; the last of 2 consecutive T bases (chr14:75,004,872-75,004,873); deleting either gives the same sequence. VCF-style (leftmost placement, unchanged base first): chr14-75004871-AT-A. GRCh37 (hg19) VCF-style: chr14-75471574-AT-A.
Other names: c.570delT (NM_014239.4); short protein forms I190fs.
Identifiers: ClinVar variation 632219 (VCV000632219.9), dbSNP rs755436800, ClinGen allele CA7274973.
Genomic context (GRCh38, chr14:75,004,871, plus strand): 5'-TTCTCCCGAACAGTAGAGGCCTTCCTCAAAGAGGCTGCCCGAAAGAGGAAATTCCATGTC[AT>A]TGTAGCAGAGTGTGCTCCTTTCTGCCAGGTAAGGAGACTGCTGGAGTTGCTACTAAGAAA-3'